The following is an entry in ClinVar:

NM_138348.6(OTULIN):c.1034G>C (p.Arg345Thr)

Gene: OTULIN (OTU deubiquitinase with linear linkage specificity; plus strand). Cytogenetic location: 5p15.2.
Variant type: single nucleotide variant.
Coding change: c.1034G>C on transcript NM_138348.6 (MANE Select); coding-DNA position 1034, G replaced by C.
Protein change: p.Arg345Thr; replaces arginine 345 with threonine.
Molecular consequence: missense variant.
Genome position (GRCh38, 1-based): chr5:14,693,023, G>C. VCF-style: chr5-14693023-G-C. GRCh37 (hg19) VCF-style: chr5-14693132-G-C.
Other names: short protein forms R345T.
Identifiers: ClinVar variation 2632979 (VCV002632979.3), dbSNP rs2478234920, ClinGen allele CA359244426.

ClinVar aggregate classification (germline): Uncertain significance (0 of 4 stars; one submission).

Conditions:
OTULIN-related disorder. Also called: OTULIN-related condition.

Submission:

PreventionGenetics, part of Exact Sciences
Classification: Uncertain significance for OTULIN-related condition. Last evaluated: 2023-12-22. Review status: no assertion criteria provided. Collection method: clinical testing. Allele origin: germline.
Comment: The OTULIN c.1034G>C variant is predicted to result in the amino acid substitution p.Arg345Thr. To our knowledge, this variant has not been reported in the literature or in a large population database, indicating this variant is rare. At this time, the clinical significance of this variant is uncertain due to the absence of conclusive functional and genetic evidence.